The following is an entry in ClinVar:

ClinVar aggregate classification (germline): Uncertain significance (1 of 4 stars; one submission).

Conditions:
Glycogen storage disease IXd (GSD9D). Also called: GSD IXd; Muscle Phosphorylase Kinase Deficiency. Identifiers: Orphanet 715, MedGen C1845151, MONDO:0010362, OMIM 300559.

Submission:

Labcorp Genetics (formerly Invitae), Labcorp
Classification: Uncertain significance for Glycogen storage disease IXd. Last evaluated: 2023-12-18. Review status: criteria provided, single submitter. Criteria: Invitae Variant Classification Sherloc (09022015). Collection method: clinical testing. Allele origin: germline.
Comment: This sequence change replaces isoleucine, which is neutral and non-polar, with threonine, which is neutral and polar, at codon 986 of the PHKA1 protein (p.Ile986Thr). This variant is not present in population databases (gnomAD no frequency). This variant has not been reported in the literature in individuals affected with PHKA1-related conditions. Advanced modeling of protein sequence and biophysical properties (such as structural, functional, and spatial information, amino acid conservation, physicochemical variation, residue mobility, and thermodynamic stability) performed at Invitae indicates that this missense variant is not expected to disrupt PHKA1 protein function with a negative predictive value of 80%. In summary, the available evidence is currently insufficient to determine the role of this variant in disease. Therefore, it has been classified as a Variant of Uncertain Significance.

NM_002637.4(PHKA1):c.2957T>C (p.Ile986Thr)

Gene: PHKA1 (phosphorylase kinase regulatory subunit alpha 1; minus strand). Cytogenetic location: Xq13.1.
Variant type: single nucleotide variant.
Coding change: c.2957T>C on transcript NM_002637.4 (MANE Select); coding-DNA position 2957, T replaced by C.
Protein change: p.Ile986Thr; replaces isoleucine 986 with threonine.
Molecular consequence: missense variant.
Genome position (GRCh38, 1-based): chrX:72,602,234, A>G on the plus strand (T>C on the coding strand, the complement: PHKA1 is on the minus strand). VCF-style: chrX-72602234-A-G. GRCh37 (hg19) VCF-style: chrX-71822084-A-G.
Other names: c.2957T>C, p.Ile986Thr (NM_001122670.2); c.2780T>C, p.Ile927Thr (NM_001172436.2); short protein forms I927T, I986T.
Identifiers: ClinVar variation 2702642 (VCV002702642.3), dbSNP rs2522406876, ClinGen allele CA413587794.